The following is an entry in ClinVar:

ClinVar aggregate classification (germline): Uncertain significance (1 of 4 stars; one submission).

Allele frequency attached by ClinVar (database versions not stated): gnomAD 0.00001; gnomAD exomes 0.00001; TOPMed 0.00002; ExAC 0.00003.
gnomAD v4.1: 11 of 1,611,984 alleles (0.00068%); highest among the groups gnomAD compares: African/African-American, 0.0013%; no homozygotes.

Submission:

Labcorp Genetics (formerly Invitae), Labcorp
Classification: Uncertain significance. Last evaluated: 2022-07-06. Review status: criteria provided, single submitter. Criteria: Invitae Variant Classification Sherloc (09022015). Collection method: clinical testing. Allele origin: germline.
Comment: This sequence change replaces aspartic acid, which is acidic and polar, with glycine, which is neutral and non-polar, at codon 721 of the CACNA1B protein (p.Asp721Gly). This variant is present in population databases (rs774466218, gnomAD 0.003%). This variant has not been reported in the literature in individuals affected with CACNA1B-related conditions. Algorithms developed to predict the effect of missense changes on protein structure and function (SIFT, PolyPhen-2, Align-GVGD) all suggest that this variant is likely to be tolerated. Algorithms developed to predict the effect of sequence changes on RNA splicing suggest that this variant may create or strengthen a splice site. In summary, the available evidence is currently insufficient to determine the role of this variant in disease. Therefore, it has been classified as a Variant of Uncertain Significance.

NM_000718.4(CACNA1B):c.2162A>G (p.Asp721Gly)

Gene: CACNA1B (calcium voltage-gated channel subunit alpha1 B; plus strand). Cytogenetic location: 9q34.3.
Variant type: single nucleotide variant.
Coding change: c.2162A>G on transcript NM_000718.4 (MANE Select); coding-DNA position 2162, A replaced by G.
Protein change: p.Asp721Gly; replaces aspartic acid 721 with glycine.
Molecular consequence: missense variant.
Genome position (GRCh38, 1-based): chr9:138,013,130, A>G. VCF-style: chr9-138013130-A-G. GRCh37 (hg19) VCF-style: chr9-140907582-A-G.
Other names: c.2162A>G, p.Asp721Gly (NM_001243812.2); short protein forms D721G.
Identifiers: ClinVar variation 2062849 (VCV002062849.1), dbSNP rs774466218, ClinGen allele CA5376404.